The following is an entry in ClinVar:

ClinVar aggregate classification (germline): Uncertain significance (1 of 4 stars; one submission).

Conditions:
Hereditary pancreatitis (PCTT). Also called: Hereditary chronic pancreatitis; PRSS1-Related Hereditary Pancreatitis. Identifiers: Orphanet 676, MedGen C0238339, MONDO:0008185, OMIM 167800.

gnomAD v4.1: 6 of 1,512,504 alleles (0.0004%); highest among the groups gnomAD compares: Non-Finnish European, 0.00053%; no homozygotes.

Submission:

Ambry Genetics
Classification: Uncertain significance for Hereditary pancreatitis. Last evaluated: 2025-03-28. Review status: criteria provided, single submitter. Criteria: Ambry Variant Classification Scheme 2023. Collection method: clinical testing. Allele origin: germline.
Comment: The c.200+1G>T intronic variant results from a G to T substitution one nucleotide after coding exon 2 of the PRSS1 gene. This nucleotide position is highly conserved in available vertebrate species. In silico splice site analysis predicts that this alteration will weaken the native splice donor site and may result in the creation or strengthening of a novel splice donor site. Alterations that disrupt the canonical splice site are expected to cause aberrant splicing, resulting in an abnormal protein or a transcript that is subject to nonsense-mediated mRNA decay. However, loss of function of PRSS1 has not been established as a mechanism of disease. Based on the available evidence, the clinical significance of this alteration remains unclear.

NM_002769.5(PRSS1):c.200+1G>T

Genes: PRSS1 (serine protease 1; plus strand), TRB (T cell receptor beta locus; plus strand). Cytogenetic location: 7q34.
Variant type: single nucleotide variant.
Coding change: c.200+1G>T on transcript NM_002769.5 (MANE Select); the canonical splice donor site of the intron after coding-DNA position 200, G replaced by T.
Molecular consequence: splice donor variant.
Genome position (GRCh38, 1-based): chr7:142,750,715, G>T. VCF-style: chr7-142750715-G-T. GRCh37 (hg19) VCF-style: chr7-142458566-G-T.
Identifiers: ClinVar variation 3939040 (VCV003939040.1).